The following is an entry in ClinVar:

ClinVar aggregate classification (germline): Uncertain significance (1 of 4 stars; one submission).

Allele frequency attached by ClinVar (database versions not stated): gnomAD 0.00005 and 0.00012; TOPMed 0.00006; gnomAD exomes 0.00009 and 0.00012; ExAC 0.00011; 1000 Genomes Project 30x 0.00016; 1000 Genomes Project 0.00020.
gnomAD v4.1: 181 of 1,535,390 alleles (0.012%); highest among the groups gnomAD compares: South Asian, 0.12%; 7 homozygotes.

Submission:

Labcorp Genetics (formerly Invitae), Labcorp
Classification: Uncertain significance. Last evaluated: 2025-11-30. Review status: criteria provided, single submitter. Criteria: Invitae Variant Classification Sherloc (09022015). Collection method: clinical testing. Allele origin: germline.
Comment: This sequence change replaces threonine, which is neutral and polar, with alanine, which is neutral and non-polar, at codon 151 of the ANXA11 protein (p.Thr151Ala). This variant is present in population databases (rs566752242, gnomAD 0.05%), and has an allele count higher than expected for a pathogenic variant. This variant has not been reported in the literature in individuals affected with ANXA11-related conditions. ClinVar contains an entry for this variant (Variation ID: 1362521). An algorithm developed to predict the effect of missense changes on protein structure and function outputs the following: PolyPhen-2: "Not Available". The alanine amino acid residue is found in multiple mammalian species, which suggests that this missense change does not adversely affect protein function. In summary, the available evidence is currently insufficient to determine the role of this variant in disease. Therefore, it has been classified as a Variant of Uncertain Significance.

NM_145868.2(ANXA11):c.451A>G (p.Thr151Ala)

Gene: ANXA11 (annexin A11; minus strand). Cytogenetic location: 10q22.3.
Variant type: single nucleotide variant.
Coding change: c.451A>G on transcript NM_145868.2 (MANE Select); coding-DNA position 451, A replaced by G.
Protein change: p.Thr151Ala; replaces threonine 151 with alanine.
Molecular consequence: missense variant.
Genome position (GRCh38, 1-based): chr10:80,169,079, T>C on the plus strand (A>G on the coding strand, the complement: ANXA11 is on the minus strand). VCF-style: chr10-80169079-T-C. GRCh37 (hg19) VCF-style: chr10-81928835-T-C.
Other names: c.451A>G, p.Thr151Ala (NM_001157.3, NM_001278407.2, NM_001278408.2 and 1 more transcripts); c.352A>G, p.Thr118Ala (NM_001278409.2); short protein forms T118A, T151A.
Identifiers: ClinVar variation 1362521 (VCV001362521.8), dbSNP rs566752242, ClinGen allele CA5576279.